The following is an entry in ClinVar:

NM_005751.5(AKAP9):c.6569A>G (p.Gln2190Arg)

Gene: AKAP9 (A-kinase anchoring protein 9; plus strand). Cytogenetic location: 7q21.2.
Variant type: single nucleotide variant.
Coding change: c.6569A>G on transcript NM_005751.5 (MANE Select); coding-DNA position 6569, A replaced by G.
Protein change: p.Gln2190Arg; replaces glutamine 2190 with arginine.
Molecular consequence: missense variant.
Genome position (GRCh38, 1-based): chr7:92,070,966, A>G. VCF-style: chr7-92070966-A-G. GRCh37 (hg19) VCF-style: chr7-91700280-A-G.
Other names: c.1214A>G, p.Gln405Arg (NM_001379277.1); c.6545A>G, p.Gln2182Arg (NM_147185.3); short protein forms Q2190R, Q2182R, Q405R.
Identifiers: ClinVar variation 3849262 (VCV003849262.1).

ClinVar aggregate classification (germline): Uncertain significance (1 of 4 stars; one submission).

Conditions:
Cardiovascular phenotype. Identifiers: MedGen CN230736.

Submission:

Ambry Genetics
Classification: Uncertain significance for Cardiovascular phenotype. Last evaluated: 2024-12-28. Review status: criteria provided, single submitter. Criteria: Ambry Variant Classification Scheme 2023. Collection method: clinical testing. Allele origin: germline.
Comment: The p.Q2190R variant (also known as c.6569A>G), located in coding exon 28 of the AKAP9 gene, results from an A to G substitution at nucleotide position 6569. The glutamine at codon 2190 is replaced by arginine, an amino acid with highly similar properties. This amino acid position is conserved. In addition, this alteration is predicted to be tolerated by in silico analysis. Based on the available evidence, the clinical significance of this variant remains unclear.